The following is an entry in ClinVar:

ClinVar aggregate classification (germline): Uncertain significance (1 of 4 stars; one submission).

gnomAD v4.1: 1 of 1,540,954 alleles (0.000065%); highest among the groups gnomAD compares: East Asian, 0.0025%; no homozygotes.

Submission:

Women's Health and Genetics/Laboratory Corporation of America, LabCorp
Classification: Uncertain significance. Last evaluated: 2026-02-03. Review status: criteria provided, single submitter. Criteria: LabCorp Variant Classification Summary - May 2015. Collection method: clinical testing. Allele origin: germline.
Comment: Variant summary: RORA c.107C>T (p.Ala36Val) results in a non-conservative amino acid change in the encoded protein sequence. Algorithms developed to predict the effect of missense changes on protein structure and function are either unavailable or do not agree on the potential impact of this missense change. The variant allele was found at a frequency of 7.1e-06 in 141154 control chromosomes. The available data on variant occurrences in the general population are insufficient to allow any conclusion about variant significance. To our knowledge, no occurrence of c.107C>T in individuals affected with RORA-related conditions and no experimental evidence demonstrating its impact on protein function have been reported. No submitters have cited clinical-significance assessments for this variant to ClinVar. Based on the evidence outlined above, the variant was classified as uncertain significance.

NM_134261.3(RORA):c.107C>T (p.Ala36Val)

Gene: RORA (RAR related orphan receptor A; minus strand). Cytogenetic location: 15q22.2.
Variant type: single nucleotide variant.
Coding change: c.107C>T on transcript NM_134261.3 (MANE Select); coding-DNA position 107, C replaced by T.
Protein change: p.Ala36Val; replaces alanine 36 with valine.
Molecular consequence: missense variant.
Genome position (GRCh38, 1-based): chr15:61,229,112, G>A on the plus strand (C>T on the coding strand, the complement: RORA is on the minus strand). VCF-style: chr15-61229112-G-A. GRCh37 (hg19) VCF-style: chr15-61521311-G-A.
Other names: short protein forms A36V.
Identifiers: ClinVar variation 4848070 (VCV004848070.1).